The following is an entry in ClinVar:

ClinVar aggregate classification (germline): Uncertain significance. Review status: criteria provided, multiple submitters, no conflicts (2 of 4 stars). 2 submissions from 2 submitters: Uncertain significance (2). Last evaluated 2025-11-26.

Allele frequency attached by ClinVar (database versions not stated): TOPMed 0.00002; gnomAD 0.00003; gnomAD exomes 0.00003; ExAC 0.00004; ESP Exome Variant Server 0.00008; 1000 Genomes Project 30x 0.00016; 1000 Genomes Project 0.00020.
gnomAD v4.1: 45 of 1,614,154 alleles (0.0028%); highest among the groups gnomAD compares: East Asian, 0.0067%; 1 homozygote.

Submissions (2):

Ambry Genetics
Classification: Uncertain significance. Last evaluated: 2025-11-26. Review status: criteria provided, single submitter. Criteria: Ambry Variant Classification Scheme 2023. Collection method: clinical testing. Allele origin: germline.

Labcorp Genetics (formerly Invitae), Labcorp
Classification: Uncertain significance. Last evaluated: 2025-01-13. Review status: criteria provided, single submitter. Criteria: Invitae Variant Classification Sherloc (09022015). Collection method: clinical testing. Allele origin: germline.
Comment: This sequence change replaces arginine, which is basic and polar, with glutamine, which is neutral and polar, at codon 192 of the MRPS7 protein (p.Arg192Gln). This variant is present in population databases (rs200580965, gnomAD 0.01%). This variant has not been reported in the literature in individuals affected with MRPS7-related conditions. ClinVar contains an entry for this variant (Variation ID: 2184680). Invitae Evidence Modeling of protein sequence and biophysical properties (such as structural, functional, and spatial information, amino acid conservation, physicochemical variation, residue mobility, and thermodynamic stability) indicates that this missense variant is not expected to disrupt MRPS7 protein function with a negative predictive value of 80%. In summary, the available evidence is currently insufficient to determine the role of this variant in disease. Therefore, it has been classified as a Variant of Uncertain Significance.

NM_015971.4(MRPS7):c.575G>A (p.Arg192Gln)

Gene: MRPS7 (mitochondrial ribosomal protein S7; plus strand). Cytogenetic location: 17q25.1.
Variant type: single nucleotide variant.
Coding change: c.575G>A on transcript NM_015971.4 (MANE Select); coding-DNA position 575, G replaced by A.
Protein change: p.Arg192Gln; replaces arginine 192 with glutamine.
Molecular consequence: missense variant.
Genome position (GRCh38, 1-based): chr17:75,265,769, G>A. VCF-style: chr17-75265769-G-A. GRCh37 (hg19) VCF-style: chr17-73261850-G-A.
Other names: c.575G>A (NM_015971.3); short protein forms R192Q.
Identifiers: ClinVar variation 2184680 (VCV002184680.6), dbSNP rs200580965, ClinGen allele CA8760449.